The following is an entry in ClinVar:

NM_018136.5(ASPM):c.10227del (p.Lys3409fs)

Gene: ASPM (assembly factor for spindle microtubules; minus strand). Cytogenetic location: 1q31.3.
Variant type: Deletion.
Coding change: c.10227del on transcript NM_018136.5 (MANE Select); coding-DNA position 10227, one base deleted (A; older notation c.10227delA).
Protein change: p.Lys3409fs; shifts the reading frame from lysine 3409.
Molecular consequence: frameshift variant.
Genome position (GRCh38, 1-based): chr1:197,086,907, T deleted on the plus strand (A on the coding strand, the reverse complement: ASPM is on the minus strand); the first of 3 consecutive T bases (chr1:197,086,907-197,086,909); deleting any one gives the same sequence. VCF-style (leftmost placement, unchanged base first): chr1-197086906-GT-G. GRCh37 (hg19) VCF-style: chr1-197056036-GT-G.
Other names: c.5472del, p.Lys1824fs (NM_001206846.2); short protein forms K3409fs, K1824fs.
Identifiers: ClinVar variation 3690537 (VCV003690537.2).

ClinVar aggregate classification (germline): Pathogenic (1 of 4 stars; one submission).

Submission:

Labcorp Genetics (formerly Invitae), Labcorp
Classification: Pathogenic. Last evaluated: 2024-03-21. Review status: criteria provided, single submitter. Criteria: Invitae Variant Classification Sherloc (09022015). Collection method: clinical testing. Allele origin: germline.
Comment: This sequence change creates a premature translational stop signal (p.Lys3409Asnfs*4) in the ASPM gene. It is expected to result in an absent or disrupted protein product. Loss-of-function variants in ASPM are known to be pathogenic (PMID: 19028728, 23611254). This variant is not present in population databases (gnomAD no frequency). This variant has not been reported in the literature in individuals affected with ASPM-related conditions. For these reasons, this variant has been classified as Pathogenic.

Literature cited by the submitters: PubMed 19028728; PubMed 23611254.